The following is an entry in ClinVar:

NM_173354.5(SIK1):c.853_855del (p.Pro285del)

Gene: SIK1 (salt inducible kinase 1; minus strand). Cytogenetic location: 21q22.3.
Variant type: Deletion.
Coding change: c.853_855del on transcript NM_173354.5 (MANE Select); coding-DNA positions 853 to 855, 3 bases deleted (CCG; older notation c.853_855delCCG).
Protein change: p.Pro285del; deletes proline 285.
Genome position (GRCh38, 1-based): chr21:43,420,351-43,420,353, CGG deleted on the plus strand (CCG on the coding strand, the reverse complement: SIK1 is on the minus strand); deleting any 3 consecutive bases within chr21:43,420,351-43,420,354 gives the same sequence; the c. name uses the placement nearest the transcript's 3' end. VCF-style (leftmost placement, unchanged base first): chr21-43420350-CCGG-C. GRCh37 (hg19) VCF-style: chr21-44840230-CCGG-C.
Other names: short protein forms P285del.
Identifiers: ClinVar variation 4761518 (VCV004761518.1).

ClinVar aggregate classification (germline): Uncertain significance (1 of 4 stars; one submission).

Conditions:
Developmental and epileptic encephalopathy, 30 (DEE30). Also called: Epileptic encephalopathy, early infantile, 30. Identifiers: MedGen C4225360, MONDO:0014595, OMIM 616341.

Submission:

Labcorp Genetics (formerly Invitae), Labcorp
Classification: Uncertain significance for Developmental and epileptic encephalopathy, 30. Last evaluated: 2025-03-29. Review status: criteria provided, single submitter. Criteria: Invitae Variant Classification Sherloc (09022015). Collection method: clinical testing. Allele origin: germline.
Comment: This variant, c.853_855del, results in the deletion of 1 amino acid(s) of the SIK1 protein (p.Pro285del), but otherwise preserves the integrity of the reading frame. This variant is present in population databases (rs768275621, gnomAD 0.01%). This variant has not been reported in the literature in individuals affected with SIK1-related conditions. Experimental studies and prediction algorithms are not available or were not evaluated, and the functional significance of this variant is currently unknown. In summary, the available evidence is currently insufficient to determine the role of this variant in disease. Therefore, it has been classified as a Variant of Uncertain Significance.